The following is an entry in ClinVar:

NM_022124.6(CDH23):c.1944C>A (p.Asn648Lys)

Gene: CDH23 (cadherin related 23; plus strand). Cytogenetic location: 10q22.1.
Variant type: single nucleotide variant.
Coding change: c.1944C>A on transcript NM_022124.6 (MANE Select); coding-DNA position 1944, C replaced by A.
Protein change: p.Asn648Lys; replaces asparagine 648 with lysine.
Molecular consequence: missense variant.
Genome position (GRCh38, 1-based): chr10:71,682,530, C>A. VCF-style: chr10-71682530-C-A. GRCh37 (hg19) VCF-style: chr10-73442287-C-A.
Other names: c.1944C>A, p.Asn648Lys (NM_001171930.2, NM_001171931.2); c.1944C>A (NM_022124.5); short protein forms N648K.
Identifiers: ClinVar variation 2138958 (VCV002138958.3), dbSNP rs1864696797, ClinGen allele CA377132646.

ClinVar aggregate classification (germline): Uncertain significance. Review status: criteria provided, multiple submitters, no conflicts (2 of 4 stars). 3 submissions from 3 submitters: Uncertain significance (3). Last evaluated 2024-02-29.

Allele frequency attached by ClinVar (database versions not stated): TOPMed below 0.00001.
gnomAD v4.1: 8 of 1,613,622 alleles (0.0005%); 1 homozygote.

Submissions (3):

Blueprint Genetics
Classification: Uncertain significance. Last evaluated: 2024-02-29. Review status: criteria provided, single submitter. Criteria: ACMG Guidelines, 2015. Collection method: clinical testing. Allele origin: germline.

GeneDx
Classification: Uncertain significance. Last evaluated: 2024-01-02. Review status: criteria provided, single submitter. Criteria: GeneDx Variant Classification Process June 2021. Collection method: clinical testing. Allele origin: germline. Affected: yes.
Comment: Not observed at significant frequency in large population cohorts (gnomAD); In silico analysis supports that this missense variant does not alter protein structure/function; Has not been previously published as pathogenic or benign to our knowledge

Labcorp Genetics (formerly Invitae), Labcorp
Classification: Uncertain significance. Last evaluated: 2022-09-27. Review status: criteria provided, single submitter. Criteria: Invitae Variant Classification Sherloc (09022015). Collection method: clinical testing. Allele origin: germline.
Comment: This sequence change replaces asparagine, which is neutral and polar, with lysine, which is basic and polar, at codon 648 of the CDH23 protein (p.Asn648Lys). This variant is not present in population databases (gnomAD no frequency). This variant has not been reported in the literature in individuals affected with CDH23-related conditions. Advanced modeling of protein sequence and biophysical properties (such as structural, functional, and spatial information, amino acid conservation, physicochemical variation, residue mobility, and thermodynamic stability) performed at Invitae indicates that this missense variant is not expected to disrupt CDH23 protein function. In summary, the available evidence is currently insufficient to determine the role of this variant in disease. Therefore, it has been classified as a Variant of Uncertain Significance.